The following is an entry in ClinVar:

ClinVar aggregate classification (germline): Pathogenic. Review status: reviewed by expert panel (3 of 4 stars). 7 submissions from 7 submitters: Pathogenic (1). 6 of the submissions do not count toward it. Last evaluated 2016-09-08.

Conditions:
Hereditary breast ovarian cancer syndrome. Also called: Hereditary breast and ovarian cancer syndrome; Hereditary breast and ovarian cancer; Hereditary breast and ovarian cancer syndrome (HBOC); Breast and ovarian cancer; Hereditary breast and/or ovarian cancer syndrome; BRCA1- and BRCA2-Associated Hereditary Breast and Ovarian Cancer. Identifiers: Orphanet 145, MedGen C0677776, MeSH D061325, MONDO:0003582. Disease mechanism: loss of function.
Hereditary cancer-predisposing syndrome. Also called: Neoplastic Syndromes, Hereditary; Tumor predisposition; Hereditary neoplastic syndrome; Hereditary Cancer Syndrome. Identifiers: Orphanet 140162, MedGen C0027672, MeSH D009386, MONDO:0015356.
Breast-ovarian cancer, familial, susceptibility to, 2 (BROVCA2). Also called: BRCA2 Hereditary Breast and Ovarian Cancer. Identifiers: Orphanet 145, MedGen C2675520, MONDO:0012933, OMIM 612555. Disease mechanism: loss of function.

Submissions (7):

Evidence-based Network for the Interpretation of Germline Mutant Alleles (ENIGMA)
Classification: Pathogenic for Breast-ovarian cancer, familial, susceptibility to, 2. Last evaluated: 2016-09-08. Review status: reviewed by expert panel. Criteria: ENIGMA BRCA1/2 Classification Criteria (2015). Collection method: curation. Allele origin: germline.
Comment: Variant allele predicted to encode a truncated non-functional protein.

Ambry Genetics
Classification: Pathogenic for Hereditary cancer-predisposing syndrome. Last evaluated: 2025-04-14. Review status: criteria provided, single submitter. Criteria: Ambry Variant Classification Scheme 2023. Collection method: clinical testing. Allele origin: germline. Not counted in ClinVar's aggregate classification.
Comment: The c.5217_5221delTTTAA pathogenic mutation, located in coding exon 10 of the BRCA2 gene, results from a deletion of 5 nucleotides at nucleotide positions 5217 to 5221, causing a translational frameshift with a predicted alternate stop codon (p.Y1739*). This alteration is expected to result in loss of function by premature protein truncation or nonsense-mediated mRNA decay. As such, this alteration is interpreted as a disease-causing mutation.

Quest Diagnostics Nichols Institute San Juan Capistrano
Classification: Pathogenic. Last evaluated: 2024-11-13. Review status: criteria provided, single submitter. Criteria: Quest Diagnostics criteria. Collection method: clinical testing. Allele origin: unknown. Not counted in ClinVar's aggregate classification.
Comment: The BRCA2 c.5217_5221del (p.Tyr1739*) variant alters the translational reading frame of the BRCA2 mRNA and causes the premature termination of BRCA2 protein synthesis. This variant has been reported in the published literature in individuals with breast cancer (PMID: 9150154 (1997), 28664449 (2018)). This variant has not been reported in large, multi-ethnic general populations (Genome Aggregation Database). Based on the available information, this variant is classified as pathogenic.

Labcorp Genetics (formerly Invitae), Labcorp
Classification: Pathogenic for Hereditary breast ovarian cancer syndrome. Last evaluated: 2022-02-10. Review status: criteria provided, single submitter. Criteria: Invitae Variant Classification Sherloc (09022015). Collection method: clinical testing. Allele origin: germline. Not counted in ClinVar's aggregate classification.
Comment: This sequence change creates a premature translational stop signal (p.Tyr1739*) in the BRCA2 gene. It is expected to result in an absent or disrupted protein product. Loss-of-function variants in BRCA2 are known to be pathogenic (PMID: 20104584). This variant is not present in population databases (gnomAD no frequency). This premature translational stop signal has been observed in individual(s) with breast cancer (PMID: 9150154). This variant is also known as 5445delTTTAA. ClinVar contains an entry for this variant (Variation ID: 51821). For these reasons, this variant has been classified as Pathogenic.

Consortium of Investigators of Modifiers of BRCA1/2 (CIMBA), c/o University of Cambridge
Classification: Pathogenic for Breast-ovarian cancer, familial, susceptibility to, 2. Last evaluated: 2015-10-02. Review status: criteria provided, single submitter. Criteria: CIMBA Mutation Classification guidelines May 2016. Collection method: clinical testing. Allele origin: germline. Not counted in ClinVar's aggregate classification.

BRCAlab, Lund University
Classification: Pathogenic for Breast-ovarian cancer, familial, susceptibility to, 2. Last evaluated: 2020-03-02. Review status: no assertion criteria provided. Collection method: clinical testing. Allele origin: germline. Affected: yes. Not counted in ClinVar's aggregate classification.

Breast Cancer Information Core (BIC) (BRCA2)
Classification: Pathogenic for Breast-ovarian cancer, familial 2. Review status: no assertion criteria provided. Collection method: clinical testing. Allele origin: germline. Affected: yes. Observed: 1 variant allele. Not counted in ClinVar's aggregate classification.

Literature cited by the submitters: PubMed 9150154 (cited by Quest Diagnostics Nichols Institute San Juan Capistrano and Labcorp Genetics (formerly Invitae), Labcorp); PubMed 29446198 (cited by Quest Diagnostics Nichols Institute San Juan Capistrano); PubMed 28664449 (cited by Quest Diagnostics Nichols Institute San Juan Capistrano); PubMed 20104584 (cited by Labcorp Genetics (formerly Invitae), Labcorp).

NM_000059.4(BRCA2):c.5217_5221del (p.Tyr1739_Ser1741delinsTer)

Gene: BRCA2 (BRCA2 DNA repair associated; plus strand). Cytogenetic location: 13q13.1.
Variant type: Deletion.
Coding change: c.5217_5221del on transcript NM_000059.4 (MANE Select); coding-DNA positions 5217 to 5221, 5 bases deleted (TTTAA; older notation c.5217_5221delTTTAA).
Protein change: p.Tyr1739_Ser1741delinsTer.
Molecular consequence: nonsense.
Genome position (GRCh38, 1-based): chr13:32,339,572-32,339,576, TTTAA deleted; deleting any 5 consecutive bases within chr13:32,339,571-32,339,576 gives the same sequence; the c. name uses the placement nearest the transcript's 3' end. VCF-style (leftmost placement, unchanged base first): chr13-32339570-TATTTA-T. GRCh37 (hg19) VCF-style: chr13-32913707-TATTTA-T.
Other names: 5445del5; c.5217_5221delTTTAA (NM_000059.3).
Identifiers: ClinVar variation 51821 (VCV000051821.17), dbSNP rs80359495, ClinGen allele CA021726.